The following is an entry in ClinVar:

ClinVar aggregate classification (germline): Pathogenic (1 of 4 stars; one submission).

Conditions:
PKD1-related disorder. Also called: PKD1-related condition.

Submission:

PreventionGenetics, part of Exact Sciences
Classification: Pathogenic for PKD1-related condition. Last evaluated: 2025-11-10. Review status: criteria provided, single submitter. Criteria: ACMG Guidelines, 2015. Collection method: clinical testing. Allele origin: germline.
Comment: The PKD1 c.4247_4248delTT variant is predicted to result in a frameshift and premature protein termination (p.Phe1416Trpfs*14). This variant has been reported in an individual with autosomal dominant polycystic kidney disease (ADPKD) (Table S4, Audrézet et al. 2012. PubMed ID: 22508176). This variant has not been reported in a large population database (gnomAD), indicating this variant is rare. Frameshift variants in PKD1 are expected to be pathogenic. This variant is interpreted as pathogenic.

NM_001009944.3(PKD1):c.4247_4248del (p.Phe1416fs)

Gene: PKD1 (polycystin 1, transient receptor potential channel interacting; minus strand). Cytogenetic location: 16p13.3.
Variant type: Deletion.
Coding change: c.4247_4248del on transcript NM_001009944.3 (MANE Select); coding-DNA positions 4247 to 4248, 2 bases deleted (TT; older notation c.4247_4248delTT).
Protein change: p.Phe1416fs; shifts the reading frame from phenylalanine 1416.
Molecular consequence: frameshift variant.
Genome position (GRCh38, 1-based): chr16:2,110,919-2,110,920, AA deleted on the plus strand (TT on the coding strand, the reverse complement: PKD1 is on the minus strand); deleting any 2 consecutive bases within chr16:2,110,919-2,110,921 gives the same sequence; the c. name uses the placement nearest the transcript's 3' end. VCF-style (leftmost placement, unchanged base first): chr16-2110918-CAA-C. GRCh37 (hg19) VCF-style: chr16-2160919-CAA-C.
Other names: c.4247_4248delTT (NM_001009944.2); c.4247_4248del, p.Phe1416fs (NM_000296.4); short protein forms F1416fs.
Identifiers: ClinVar variation 4983511 (VCV004983511.1).